The following is an entry in ClinVar:

ClinVar aggregate classification (germline): Uncertain significance (1 of 4 stars; one submission).

Submission:

Labcorp Genetics (formerly Invitae), Labcorp
Classification: Uncertain significance. Last evaluated: 2022-02-10. Review status: criteria provided, single submitter. Criteria: Invitae Variant Classification Sherloc (09022015). Collection method: clinical testing. Allele origin: germline.
Comment: This variant has not been reported in the literature in individuals affected with KIAA1549-related conditions. This variant is not present in population databases (gnomAD no frequency). This sequence change replaces leucine, which is neutral and non-polar, with valine, which is neutral and non-polar, at codon 650 of the KIAA1549 protein (p.Leu650Val). Algorithms developed to predict the effect of missense changes on protein structure and function output the following: SIFT: "Tolerated"; PolyPhen-2: "Benign"; Align-GVGD: "Class C0". The valine amino acid residue is found in multiple mammalian species, which suggests that this missense change does not adversely affect protein function. In summary, the available evidence is currently insufficient to determine the role of this variant in disease. Therefore, it has been classified as a Variant of Uncertain Significance.

NM_001164665.2(KIAA1549):c.1948C>G (p.Leu650Val)

Gene: KIAA1549 (KIAA1549; minus strand). Cytogenetic location: 7q34.
Variant type: single nucleotide variant.
Coding change: c.1948C>G on transcript NM_001164665.2 (MANE Select); coding-DNA position 1948, C replaced by G.
Protein change: p.Leu650Val; replaces leucine 650 with valine.
Molecular consequence: missense variant.
Genome position (GRCh38, 1-based): chr7:138,917,678, G>C on the plus strand (C>G on the coding strand, the complement: KIAA1549 is on the minus strand). VCF-style: chr7-138917678-G-C. GRCh37 (hg19) VCF-style: chr7-138602424-G-C.
Other names: c.1948C>G, p.Leu650Val (NM_020910.3); short protein forms L650V.
Identifiers: ClinVar variation 1477506 (VCV001477506.7), dbSNP rs2130479154, ClinGen allele CA369395788.